The following is an entry in ClinVar:

ClinVar aggregate classification (germline): Uncertain significance. Review status: criteria provided, multiple submitters, no conflicts (2 of 4 stars). 4 submissions from 4 submitters: Uncertain significance (4). Last evaluated 2025-10-05.

Conditions:
Cardiovascular phenotype. Identifiers: MedGen CN230736.
Distal myopathy with posterior leg and anterior hand involvement. Also called: WILLIAMS DISTAL MYOPATHY. Identifiers: Orphanet 63273, MedGen C3279722, MONDO:0013550, OMIM 614065.
Hypertrophic cardiomyopathy 26. Also called: Cardiomyopathy, familial hypertrophic, 26. Identifiers: Orphanet 75249, MedGen C4310749, MONDO:0014883, OMIM 617047.
Myofibrillar myopathy 5. Also called: Filaminopathy (type); FILAMINOPATHY, AUTOSOMAL DOMINANT. Identifiers: Orphanet 171445, MedGen C1836050, MONDO:0012289, OMIM 609524.

Allele frequency attached by ClinVar (database versions not stated): gnomAD exomes 0.00001 and 0.00002; TOPMed 0.00001; ExAC 0.00002; gnomAD 0.00002.
gnomAD v4.1: 14 of 1,613,978 alleles (0.00087%); highest among the groups gnomAD compares: Non-Finnish European, 0.0011%; no homozygotes.

Submissions (4):

Ambry Genetics
Classification: Uncertain significance for Cardiovascular phenotype. Last evaluated: 2025-10-05. Review status: criteria provided, single submitter. Criteria: Ambry Variant Classification Scheme 2023. Collection method: clinical testing. Allele origin: germline.
Comment: The p.A1136V variant (also known as c.3407C>T), located in coding exon 21 of the FLNC gene, results from a C to T substitution at nucleotide position 3407. The alanine at codon 1136 is replaced by valine, an amino acid with similar properties. This amino acid position is conserved. In addition, the in silico prediction for this alteration is inconclusive. Based on the available evidence, the clinical significance of this variant remains unclear.

Labcorp Genetics (formerly Invitae), Labcorp
Classification: Uncertain significance for Distal myopathy with posterior leg and anterior hand involvement; Myofibrillar myopathy 5; Hypertrophic cardiomyopathy 26. Last evaluated: 2025-07-30. Review status: criteria provided, single submitter. Criteria: Invitae Variant Classification Sherloc (09022015). Collection method: clinical testing. Allele origin: germline.
Comment: This sequence change replaces alanine, which is neutral and non-polar, with valine, which is neutral and non-polar, at codon 1136 of the FLNC protein (p.Ala1136Val). This variant is present in population databases (rs762793681, gnomAD 0.002%). This variant has not been reported in the literature in individuals affected with FLNC-related conditions. ClinVar contains an entry for this variant (Variation ID: 1450050). Invitae Evidence Modeling of protein sequence and biophysical properties (such as structural, functional, and spatial information, amino acid conservation, physicochemical variation, residue mobility, and thermodynamic stability) has been performed for this missense variant. However, the output from this modeling did not meet the statistical confidence thresholds required to predict the impact of this variant on FLNC protein function. In summary, the available evidence is currently insufficient to determine the role of this variant in disease. Therefore, it has been classified as a Variant of Uncertain Significance.

Blueprint Genetics
Classification: Uncertain significance. Last evaluated: 2024-08-16. Review status: criteria provided, single submitter. Criteria: ACMG Guidelines, 2015. Collection method: clinical testing. Allele origin: germline.

Fulgent Genetics
Classification: Uncertain significance for Myofibrillar myopathy 5; Distal myopathy with posterior leg and anterior hand involvement; Hypertrophic cardiomyopathy 26. Last evaluated: 2021-08-11. Review status: criteria provided, single submitter. Criteria: ACMG Guidelines, 2015. Collection method: clinical testing. Allele origin: unknown.

NM_001458.5(FLNC):c.3407C>T (p.Ala1136Val)

Gene: FLNC (filamin C; plus strand). Cytogenetic location: 7q32.1.
Variant type: single nucleotide variant.
Coding change: c.3407C>T on transcript NM_001458.5 (MANE Select); coding-DNA position 3407, C replaced by T.
Protein change: p.Ala1136Val; replaces alanine 1136 with valine.
Molecular consequence: missense variant.
Genome position (GRCh38, 1-based): chr7:128,844,872, C>T. VCF-style: chr7-128844872-C-T. GRCh37 (hg19) VCF-style: chr7-128484926-C-T.
Other names: c.3407C>T (NM_001458.4); c.3407C>T, p.Ala1136Val (NM_001127487.2); short protein forms A1136V.
Identifiers: ClinVar variation 1450050 (VCV001450050.10), dbSNP rs762793681, ClinGen allele CA4475031.